The following is an entry in ClinVar:

NM_001378964.1(CDON):c.1552+1G>C

Gene: CDON (cell adhesion associated, oncogene regulated; minus strand). Cytogenetic location: 11q24.2.
Variant type: single nucleotide variant.
Coding change: c.1552+1G>C on transcript NM_001378964.1 (MANE Select); the canonical splice donor site of the intron after coding-DNA position 1552, G replaced by C.
Molecular consequence: splice donor variant.
Genome position (GRCh38, 1-based): chr11:126,010,340, C>G on the plus strand (G>C on the coding strand, the complement: CDON is on the minus strand). VCF-style: chr11-126010340-C-G. GRCh37 (hg19) VCF-style: chr11-125880235-C-G.
Other names: c.1552+1G>C (NM_001441166.1, NM_016952.6, NM_001243597.3 and 5 more transcripts).
Identifiers: ClinVar variation 4857284 (VCV004857284.1).
Genomic context (GRCh38, chr11:126,010,340, plus strand): 5'-CTTTATCTTCTATTATAAAAGGAAATTACTCAACTAAAAATAAATAATAATGGCAACTCA[C>G]CAACCATGAGAGATGCTTCTGCCTGTGTGGTACCATGTTCATTTGCAGCTTCGCAGATGT-3'

ClinVar aggregate classification (germline): Uncertain significance (1 of 4 stars; one submission).

Conditions:
Holoprosencephaly 11 (HPE11). Identifiers: Orphanet 2162, MedGen C3280215, MONDO:0013642, OMIM 614226.

Submission:

MVZ Medizinische Genetik Mainz
Classification: Uncertain significance for Holoprosencephaly 11. Last evaluated: 2026-04-28. Review status: criteria provided, single submitter. Criteria: UK Practice Guidelines For Variant Classification V4 01 2020. Collection method: clinical testing. Allele origin: germline. Inheritance: Autosomal dominant inheritance. Affected: yes. Observed: 1 variant allele.
Comment: ACMG Criteria: PVS1_MOD,PM2_SUP